The following is an entry in ClinVar:

ClinVar aggregate classification (germline): Likely benign. Review status: criteria provided, multiple submitters, no conflicts (2 of 4 stars). 2 submissions from 2 submitters: Likely benign (2). Last evaluated 2024-04-16.

Conditions:
Arrhythmogenic cardiomyopathy with wooly hair and keratoderma. Also called: Carvajal syndrome; Arrhythmogenic cardiomyopathy with woolly hair and keratoderma; PALMOPLANTAR KERATODERMA WITH LEFT VENTRICULAR CARDIOMYOPATHY AND WOOLLY HAIR; Dilated cardiomyopathy with woolly hair and keratoderma. Identifiers: Orphanet 65282, MedGen C1854063, MONDO:0011581, OMIM 605676.

gnomAD v4.1: 5 of 1,613,816 alleles (0.00031%); highest among the groups gnomAD compares: South Asian, 0.0022%; no homozygotes.

Submissions (2):

All of Us Research Program, National Institutes of Health
Classification: Likely benign for Arrhythmogenic cardiomyopathy with wooly hair and keratoderma. Last evaluated: 2024-04-16. Review status: criteria provided, single submitter. Criteria: ACMG Guidelines, 2015. Collection method: clinical testing. Allele origin: germline. Inheritance: Autosomal dominant inheritance. Observed: 1 variant allele, 1 heterozygote.
Comment: This study involves interpretation of variants in research participants for the purpose of population health screening. Participant phenotype was not available at the time of variant classification. Additional details can be found in publication PMID: 35346344, PMCID: PMC8962531

Blueprint Genetics
Classification: Likely benign. Last evaluated: 2021-06-09. Review status: criteria provided, single submitter. Criteria: ACMG Guidelines, 2015. Collection method: clinical testing. Allele origin: germline.

NM_004415.4(DSP):c.3348T>C (p.Tyr1116=)

Gene: DSP (desmoplakin; plus strand). Cytogenetic location: 6p24.3.
Variant type: single nucleotide variant.
Coding change: c.3348T>C on transcript NM_004415.4 (MANE Select); coding-DNA position 3348, T replaced by C.
Protein change: p.Tyr1116=; no amino-acid change (tyrosine 1116 retained).
Molecular consequence: synonymous variant.
Genome position (GRCh38, 1-based): chr6:7,579,538, T>C. VCF-style: chr6-7579538-T-C. GRCh37 (hg19) VCF-style: chr6-7579771-T-C.
Other names: c.3348T>C, p.Tyr1116= (NM_001008844.3, NM_001319034.2).
Identifiers: ClinVar variation 3386660 (VCV003386660.2).